The following is an entry in ClinVar:

NM_001371904.1(APOA5):c.730G>T (p.Ala244Ser)

Gene: APOA5 (apolipoprotein A5; minus strand). Cytogenetic location: 11q23.3.
Variant type: single nucleotide variant.
Coding change: c.730G>T on transcript NM_001371904.1 (MANE Select); coding-DNA position 730, G replaced by T.
Protein change: p.Ala244Ser; replaces alanine 244 with serine.
Molecular consequence: missense variant.
Genome position (GRCh38, 1-based): chr11:116,790,499, C>A on the plus strand (G>T on the coding strand, the complement: APOA5 is on the minus strand). VCF-style: chr11-116790499-C-A. GRCh37 (hg19) VCF-style: chr11-116661215-C-A.
Other names: c.730G>T, p.Ala244Ser (NM_001166598.2, NM_052968.5); c.730G>T (NM_052968.4); short protein forms A244S.
Identifiers: ClinVar variation 2184688 (VCV002184688.5), dbSNP rs776065144, ClinGen allele CA382736904.

ClinVar aggregate classification (germline): Uncertain significance. Review status: criteria provided, multiple submitters, no conflicts (2 of 4 stars). 2 submissions from 2 submitters: Uncertain significance (2). Last evaluated 2022-09-14.

Conditions:
Cardiovascular phenotype. Identifiers: MedGen CN230736.

Allele frequency attached by ClinVar (database versions not stated): TOPMed below 0.00001; gnomAD 0.00001.

Submissions (2):

Labcorp Genetics (formerly Invitae), Labcorp
Classification: Uncertain significance. Last evaluated: 2022-09-14. Review status: criteria provided, single submitter. Criteria: Invitae Variant Classification Sherloc (09022015). Collection method: clinical testing. Allele origin: germline.
Comment: Algorithms developed to predict the effect of missense changes on protein structure and function output the following: SIFT: "Tolerated"; PolyPhen-2: "Benign"; Align-GVGD: "Class C0". The serine amino acid residue is found in multiple mammalian species, which suggests that this missense change does not adversely affect protein function. In summary, the available evidence is currently insufficient to determine the role of this variant in disease. Therefore, it has been classified as a Variant of Uncertain Significance. This sequence change replaces alanine, which is neutral and non-polar, with serine, which is neutral and polar, at codon 244 of the APOA5 protein (p.Ala244Ser). This variant is not present in population databases (gnomAD no frequency). This variant has not been reported in the literature in individuals affected with APOA5-related conditions.

Ambry Genetics
Classification: Uncertain significance for Cardiovascular phenotype. Last evaluated: 2021-11-12. Review status: criteria provided, single submitter. Criteria: Ambry Variant Classification Scheme 2023. Collection method: clinical testing. Allele origin: germline.